The following is an entry in ClinVar:

NM_001352514.2(HLCS):c.2605C>T (p.Leu869Phe)

Gene: HLCS (holocarboxylase synthetase; minus strand). Cytogenetic location: 21q22.13.
Variant type: single nucleotide variant.
Coding change: c.2605C>T on transcript NM_001352514.2 (MANE Select); coding-DNA position 2605, C replaced by T.
Protein change: p.Leu869Phe; replaces leucine 869 with phenylalanine.
Molecular consequence: missense variant. On other transcripts: non-coding transcript variant (2).
Genome position (GRCh38, 1-based): chr21:36,754,263, G>A on the plus strand (C>T on the coding strand, the complement: HLCS is on the minus strand). VCF-style: chr21-36754263-G-A. GRCh37 (hg19) VCF-style: chr21-38126564-G-A.
Other names: c.2164C>T (NM_000411.6); c.2164C>T, p.Leu722Phe (NM_000411.8, NM_001242784.3, NM_001242785.2 and 4 more transcripts); short protein forms L722F, L869F.
Identifiers: ClinVar variation 2081535 (VCV002081535.2), dbSNP rs767752067, ClinGen allele CA10020208.

ClinVar aggregate classification (germline): Uncertain significance. Review status: criteria provided, multiple submitters, no conflicts (2 of 4 stars). 2 submissions from 2 submitters: Uncertain significance (2). Last evaluated 2025-07-15.

Conditions:
Holocarboxylase synthetase deficiency. Also called: MULTIPLE CARBOXYLASE DEFICIENCY, EARLY ONSET. Identifiers: Orphanet 79242, MedGen C0268581, MONDO:0009666, OMIM 253270.
Inborn genetic diseases. Identifiers: MedGen C0950123, MeSH D030342.

Allele frequency attached by ClinVar (database versions not stated): ExAC 0.00002; gnomAD exomes 0.00002; TOPMed 0.00002.
gnomAD v4.1: 9 of 1,614,098 alleles (0.00056%); highest among the groups gnomAD compares: Admixed American, 0.015%; no homozygotes.

Submissions (2):

Ambry Genetics
Classification: Uncertain significance for Inborn genetic diseases. Last evaluated: 2025-07-15. Review status: criteria provided, single submitter. Criteria: Ambry Variant Classification Scheme 2023. Collection method: clinical testing. Allele origin: germline.

Labcorp Genetics (formerly Invitae), Labcorp
Classification: Uncertain significance for Holocarboxylase synthetase deficiency. Last evaluated: 2022-03-19. Review status: criteria provided, single submitter. Criteria: Invitae Variant Classification Sherloc (09022015). Collection method: clinical testing. Allele origin: germline.
Comment: This sequence change replaces leucine, which is neutral and non-polar, with phenylalanine, which is neutral and non-polar, at codon 722 of the HLCS protein (p.Leu722Phe). This variant is present in population databases (rs767752067, gnomAD 0.02%). This variant has not been reported in the literature in individuals affected with HLCS-related conditions. Advanced modeling of protein sequence and biophysical properties (such as structural, functional, and spatial information, amino acid conservation, physicochemical variation, residue mobility, and thermodynamic stability) performed at Invitae indicates that this missense variant is not expected to disrupt HLCS protein function. In summary, the available evidence is currently insufficient to determine the role of this variant in disease. Therefore, it has been classified as a Variant of Uncertain Significance.